The following is an entry in ClinVar:

ClinVar aggregate classification (germline): Uncertain significance (1 of 4 stars; one submission).

Submission:

Labcorp Genetics (formerly Invitae), Labcorp
Classification: Uncertain significance. Last evaluated: 2024-09-30. Review status: criteria provided, single submitter. Criteria: Invitae Variant Classification Sherloc (09022015). Collection method: clinical testing. Allele origin: germline.
Comment: This sequence change replaces glycine, which is neutral and non-polar, with valine, which is neutral and non-polar, at codon 198 of the ALPK3 protein (p.Gly198Val). This variant is not present in population databases (gnomAD no frequency). This variant has not been reported in the literature in individuals affected with ALPK3-related conditions. An algorithm developed to predict the effect of missense changes on protein structure and function (PolyPhen-2) suggests that this variant is likely to be tolerated. In summary, the available evidence is currently insufficient to determine the role of this variant in disease. Therefore, it has been classified as a Variant of Uncertain Significance.

NM_020778.5(ALPK3):c.-14G>T

Gene: ALPK3 (alpha kinase 3; plus strand). Cytogenetic location: 15q25.3.
Variant type: single nucleotide variant.
Coding change: c.-14G>T on transcript NM_020778.5 (MANE Select); 14 bases upstream of the start codon, G replaced by T.
Molecular consequence: 5 prime UTR variant.
Genome position (GRCh38, 1-based): chr15:84,817,439, G>T. VCF-style: chr15-84817439-G-T. GRCh37 (hg19) VCF-style: chr15-85360670-G-T.
Identifiers: ClinVar variation 3721896 (VCV003721896.2).
Genomic context (GRCh38, chr15:84,817,439, plus strand): 5'-GCCCGGGGGCCGGGGCCTGGAGGACAGGCGAGGCAGCGGCGAGTGCGGGGCCGGCGGTCG[G>T]GGAGGGCGGTGCCATGGGGTCGCGGAGGGCCCCCAGCCGGGGCTGGGGCGCGGGTGGGCG-3'